The following is an entry in ClinVar:

ClinVar aggregate classification (germline): Uncertain significance (1 of 4 stars; one submission).

Conditions:
Hereditary cancer-predisposing syndrome. Also called: Neoplastic Syndromes, Hereditary; Tumor predisposition; Hereditary Cancer Syndrome; Hereditary neoplastic syndrome. Identifiers: Orphanet 140162, MedGen C0027672, MeSH D009386, MONDO:0015356.

Submission:

Ambry Genetics
Classification: Uncertain significance for Hereditary cancer-predisposing syndrome. Last evaluated: 2026-04-20. Review status: criteria provided, single submitter. Criteria: Ambry Variant Classification Scheme 2023. Collection method: clinical testing. Allele origin: germline.
Comment: The p.N2117I variant (also known as c.6350A>T), located in coding exon 46 of the POLE gene, results from an A to T substitution at nucleotide position 6350. The asparagine at codon 2117 is replaced by isoleucine, an amino acid with dissimilar properties. This amino acid position is conserved. In addition, the in silico prediction for this alteration is inconclusive. Based on the available evidence, the clinical significance of this variant remains unclear.

NM_006231.4(POLE):c.6350A>T (p.Asn2117Ile)

Gene: POLE (DNA polymerase epsilon, catalytic subunit; minus strand). Cytogenetic location: 12q24.33.
Variant type: single nucleotide variant.
Coding change: c.6350A>T on transcript NM_006231.4 (MANE Select); coding-DNA position 6350, A replaced by T.
Protein change: p.Asn2117Ile; replaces asparagine 2117 with isoleucine.
Molecular consequence: missense variant.
Genome position (GRCh38, 1-based): chr12:132,626,298, T>A on the plus strand (A>T on the coding strand, the complement: POLE is on the minus strand). VCF-style: chr12-132626298-T-A. GRCh37 (hg19) VCF-style: chr12-133202884-T-A.
Other names: short protein forms N2117I.
Identifiers: ClinVar variation 4862276 (VCV004862276.1).
Genomic context (GRCh38, chr12:132,626,298, plus strand): 5'-TCGCCGACATCCACCAGGCGAAGCAGGTCTCGGTTCAGCTTATTCACCTGGTTTGTGATG[T>A]TGGTGTCCAGGGACAGCACCTGCAGAGACCACAGCCCACATCGGGAAGGAGCTCCCGGGG-3'
Protein context (NP_006222.2, residues 2107-2127): YVCKVLSLDT[Asn2117Ile]ITNQVNKLNR